The following is an entry in ClinVar:

NM_006939.4(SOS2):c.1190G>A (p.Arg397Gln)

Gene: SOS2 (SOS Ras/Rho guanine nucleotide exchange factor 2; minus strand). Cytogenetic location: 14q21.3.
Variant type: single nucleotide variant.
Coding change: c.1190G>A on transcript NM_006939.4 (MANE Select); coding-DNA position 1190, G replaced by A.
Protein change: p.Arg397Gln; replaces arginine 397 with glutamine.
Molecular consequence: missense variant.
Genome position (GRCh38, 1-based): chr14:50,161,488, C>T on the plus strand (G>A on the coding strand, the complement: SOS2 is on the minus strand). VCF-style: chr14-50161488-C-T. GRCh37 (hg19) VCF-style: chr14-50628206-C-T.
Other names: c.1091G>A, p.Arg364Gln (NM_001411020.1); short protein forms R364Q, R397Q.
Identifiers: ClinVar variation 3358321 (VCV003358321.1).

ClinVar aggregate classification (germline): Uncertain significance (0 of 4 stars; one submission).

Conditions:
SOS2-related disorder. Also called: SOS2-related condition.

gnomAD v4.1: 3 of 1,610,710 alleles (0.00019%); highest among the groups gnomAD compares: Middle Eastern, 0.017%; no homozygotes.

Submission:

PreventionGenetics, part of Exact Sciences
Classification: Uncertain significance for SOS2-related condition. Last evaluated: 2024-07-23. Review status: no assertion criteria provided. Collection method: clinical testing. Allele origin: germline.
Comment: The SOS2 c.1190G>A variant is predicted to result in the amino acid substitution p.Arg397Gln. To our knowledge, this variant has not been reported in the literature or in a large population database, indicating this variant is rare. At this time, the clinical significance of this variant is uncertain due to the absence of conclusive functional and genetic evidence.